The following is an entry in ClinVar:

ClinVar aggregate classification (germline): Uncertain significance. Review status: criteria provided, multiple submitters, no conflicts (2 of 4 stars). 3 submissions from 3 submitters: Uncertain significance (3). Last evaluated 2023-06-16.

Conditions:
Developmental and epileptic encephalopathy, 1 (DEE1). Also called: INFANTILE SPASM SYNDROME, X-LINKED 1; X-linked infantile spasms; West's syndrome; Tonic spasms with clustering, arrest of psychomotor development and hypsarrhythmia on EEG; X-Linked Infantile Spasm Syndrome; OHTAHARA SYNDROME, X-LINKED. Identifiers: MedGen C3463992, MONDO:0010632, OMIM 308350. Disease mechanism: loss of function.
Autosomal recessive spinocerebellar ataxia 12. Also called: SPINOCEREBELLAR ATAXIA WITH MENTAL RETARDATION AND EPILEPSY. Identifiers: Orphanet 284282, MedGen C3280452, MONDO:0013687, OMIM 614322.
Inborn genetic diseases. Identifiers: MedGen C0950123, MeSH D030342.

Allele frequency attached by ClinVar (database versions not stated): ExAC 0.00003; gnomAD 0.00005 and 0.00007; TOPMed 0.00005; ESP Exome Variant Server 0.00008.
gnomAD v4.1: 9 of 1,613,986 alleles (0.00056%); highest among the groups gnomAD compares: African/African-American, 0.012%; no homozygotes.

Submissions (3):

Ambry Genetics
Classification: Uncertain significance for Inborn genetic diseases. Last evaluated: 2023-06-16. Review status: criteria provided, single submitter. Criteria: Ambry Variant Classification Scheme 2023. Collection method: clinical testing. Allele origin: germline.

Labcorp Genetics (formerly Invitae), Labcorp
Classification: Uncertain significance for Developmental and epileptic encephalopathy, 1; Autosomal recessive spinocerebellar ataxia 12. Last evaluated: 2022-08-22. Review status: criteria provided, single submitter. Criteria: Invitae Variant Classification Sherloc (09022015). Collection method: clinical testing. Allele origin: germline.
Comment: This sequence change replaces glycine, which is neutral and non-polar, with alanine, which is neutral and non-polar, at codon 148 of the WWOX protein (p.Gly148Ala). This variant is present in population databases (rs372660669, gnomAD 0.02%). This variant has not been reported in the literature in individuals affected with WWOX-related conditions. ClinVar contains an entry for this variant (Variation ID: 565848). Algorithms developed to predict the effect of missense changes on protein structure and function are either unavailable or do not agree on the potential impact of this missense change (SIFT: "Not Available"; PolyPhen-2: "Probably Damaging"; Align-GVGD: "Not Available"). In summary, the available evidence is currently insufficient to determine the role of this variant in disease. Therefore, it has been classified as a Variant of Uncertain Significance.

Breakthrough Genomics
Classification: Uncertain significance. Review status: criteria provided, single submitter. Criteria: ACMG Guidelines, 2015. Collection method: not provided. Allele origin: germline. Inheritance: Autosomal recessive inheritance. Affected: yes.

NM_016373.4(WWOX):c.443G>C (p.Gly148Ala)

Gene: WWOX (WW domain containing oxidoreductase; plus strand). Cytogenetic location: 16q23.1.
Variant type: single nucleotide variant.
Coding change: c.443G>C on transcript NM_016373.4 (MANE Select); coding-DNA position 443, G replaced by C.
Protein change: p.Gly148Ala; replaces glycine 148 with alanine.
Molecular consequence: missense variant. On other transcripts: non-coding transcript variant (1).
Genome position (GRCh38, 1-based): chr16:78,164,216, G>C. VCF-style: chr16-78164216-G-C. GRCh37 (hg19) VCF-style: chr16-78198113-G-C.
Other names: c.104G>C, p.Gly35Ala (NM_001291997.2); c.443G>C, p.Gly148Ala (NM_130791.5); c.443G>C (NM_016373.2); short protein forms G148A, G35A.
Identifiers: ClinVar variation 565848 (VCV000565848.11), dbSNP rs372660669, ClinGen allele CA8183221.